The following is an entry in ClinVar:

NM_033026.6(PCLO):c.12158G>T (p.Gly4053Val)

Gene: PCLO (piccolo presynaptic cytomatrix protein; minus strand). Cytogenetic location: 7q21.11.
Variant type: single nucleotide variant.
Coding change: c.12158G>T on transcript NM_033026.6 (MANE Select); coding-DNA position 12158, G replaced by T.
Protein change: p.Gly4053Val; replaces glycine 4053 with valine.
Molecular consequence: missense variant.
Genome position (GRCh38, 1-based): chr7:82,915,828, C>A on the plus strand (G>T on the coding strand, the complement: PCLO is on the minus strand). VCF-style: chr7-82915828-C-A. GRCh37 (hg19) VCF-style: chr7-82545144-C-A.
Other names: c.12158G>T, p.Gly4053Val (NM_014510.3); short protein forms G4053V.
Identifiers: ClinVar variation 5037449 (VCV005037449.1).
Genomic context (GRCh38, chr7:82,915,828, plus strand): 5'-AGATCCTTTTCATGAAGGCTAAATGCGGTGCTTAATGCCGCTGTTCCTTTGGTGATCTCT[C>A]CAATGTCGTCAATTAGGACATAATTTCGTGGAGTATGGTGATCAATATCTGCATAGAAAG-3'
Protein context (NP_149015.2, residues 4043-4063): PRNYVLIDDI[Gly4053Val]EITKGTAALS

ClinVar aggregate classification (germline): Uncertain significance (1 of 4 stars; one submission).

gnomAD v4.1: 4 of 1,613,376 alleles (0.00025%); highest among the groups gnomAD compares: South Asian, 0.0044%; no homozygotes.

Submission:

GeneDx
Classification: Uncertain significance. Last evaluated: 2026-04-20. Review status: criteria provided, single submitter. Criteria: GeneDx Variant Classification Process June 2021. Collection method: clinical testing. Allele origin: germline.
Comment: In silico analysis supports that this missense variant has a deleterious effect on protein structure/function; Has not been previously published as pathogenic or benign to our knowledge